The following is an entry in ClinVar:

NM_001130009.3(GEN1):c.953+1G>A

Gene: GEN1 (GEN1 structure-specific endonuclease; plus strand). Cytogenetic location: 2p24.2.
Variant type: single nucleotide variant.
Coding change: c.953+1G>A on transcript NM_001130009.3 (MANE Select); the canonical splice donor site of the intron after coding-DNA position 953, G replaced by A.
Molecular consequence: splice donor variant.
Genome position (GRCh38, 1-based): chr2:17,772,785, G>A. VCF-style: chr2-17772785-G-A. GRCh37 (hg19) VCF-style: chr2-17954052-G-A.
Other names: c.953+1G>A (NM_182625.5).
Identifiers: ClinVar variation 1351400 (VCV001351400.6), dbSNP rs370143023, ClinGen allele CA1540603.

ClinVar aggregate classification (germline): Uncertain significance (1 of 4 stars; one submission).

Allele frequency attached by ClinVar (database versions not stated): gnomAD exomes 0.00001; ExAC 0.00002; gnomAD 0.00007; ESP Exome Variant Server 0.00008; TOPMed 0.00010.
gnomAD v4.1: 19 of 1,602,214 alleles (0.0012%); highest among the groups gnomAD compares: African/African-American, 0.026%; no homozygotes.

Submission:

Labcorp Genetics (formerly Invitae), Labcorp
Classification: Uncertain significance. Last evaluated: 2023-10-14. Review status: criteria provided, single submitter. Criteria: Invitae Variant Classification Sherloc (09022015). Collection method: clinical testing. Allele origin: germline.
Comment: This sequence change affects a donor splice site in intron 8 of the GEN1 gene. It is expected to disrupt RNA splicing. Variants that disrupt the donor or acceptor splice site typically lead to a loss of protein function (PMID: 16199547), however the current clinical and genetic evidence is not sufficient to establish whether loss-of-function variants in GEN1 cause disease. This variant is present in population databases (rs370143023, gnomAD 0.01%). This variant has not been reported in the literature in individuals affected with GEN1-related conditions. ClinVar contains an entry for this variant (Variation ID: 1351400). Algorithms developed to predict the effect of sequence changes on RNA splicing suggest that this variant may disrupt the consensus splice site. In summary, the available evidence is currently insufficient to determine the role of this variant in disease. Therefore, it has been classified as a Variant of Uncertain Significance.

Literature cited by the submitters: PubMed 16199547.